The following is an entry in ClinVar:

NC_000017.10:g.(?_41205887)_(41209133_?)del

Gene: BRCA1 (BRCA1 DNA repair associated; minus strand). Cytogenetic location: 17q21.31.
Variant type: Deletion.
Identifiers: ClinVar variation 3243010 (VCV003243010.1).

ClinVar aggregate classification (germline): Pathogenic (1 of 4 stars; one submission).

Conditions:
Hereditary breast ovarian cancer syndrome. Also called: Hereditary breast and ovarian cancer syndrome; Hereditary breast and ovarian cancer; Hereditary breast and ovarian cancer syndrome (HBOC); Breast and ovarian cancer; Hereditary breast and/or ovarian cancer syndrome; BRCA1- and BRCA2-Associated Hereditary Breast and Ovarian Cancer. Identifiers: Orphanet 145, MedGen C0677776, MeSH D061325, MONDO:0003582. Disease mechanism: loss of function.

Submission:

Labcorp Genetics (formerly Invitae), Labcorp
Classification: Pathogenic for Hereditary breast ovarian cancer syndrome. Last evaluated: 2023-02-17. Review status: criteria provided, single submitter. Criteria: Invitae Variant Classification Sherloc (09022015). Collection method: clinical testing. Allele origin: unknown.
Comment: For these reasons, this variant has been classified as Pathogenic. This variant disrupts the p.Gly1738 amino acid residue in BRCA1. Other variant(s) that disrupt this residue have been determined to be pathogenic (PMID: 17902052, 20516115, 21990134). This suggests that this residue is clinically significant, and that variants that disrupt this residue are likely to be disease-causing. This variant has not been reported in the literature in individuals affected with BRCA1-related conditions. This variant results in the deletion of part of exon 19 (c.5213_5278-2753delinsT) of the BRCA1 gene. It is expected to disrupt RNA splicing. Variants that disrupt the donor or acceptor splice site typically lead to a loss of protein function (PMID: 16199547), and loss-of-function variants in BRCA1 are known to be pathogenic (PMID: 20104584).

Literature cited by the submitters: PubMed 17902052; PubMed 20516115; PubMed 21990134; PubMed 16199547; PubMed 20104584.